The following is an entry in ClinVar:

NM_002764.4(PRPS1):c.122+254C>T

Gene: PRPS1 (phosphoribosyl pyrophosphate synthetase 1; plus strand). Cytogenetic location: Xq22.3.
Variant type: single nucleotide variant.
Coding change: c.122+254C>T on transcript NM_002764.4 (MANE Select); 254 bases into the intron after coding-DNA position 122, C replaced by T.
Molecular consequence: intron variant.
Genome position (GRCh38, 1-based): chrX:107,629,004, C>T. VCF-style: chrX-107629004-C-T. GRCh37 (hg19) VCF-style: chrX-106872234-C-T.
Other names: c.-83+254C>T (NM_001204402.2).
Identifiers: ClinVar variation 673460 (VCV000673460.1), dbSNP rs138384709, ClinGen allele CA333053071.
Genomic context (GRCh38, chrX:107,629,004, plus strand): 5'-CGGTGGGGTGGAGTCAAAAGATGGAGTGTGAGGCGAAGCTTCTGCGTTTGAGGGCAAGGG[C>T]TGGGGGACCCAATAGATAGTGGCTGCATAGAGCGACGAGAGGGGACCGACGCTTAGCCAG-3'

ClinVar aggregate classification (germline): Likely benign (1 of 4 stars; one submission).

Allele frequency attached by ClinVar (database versions not stated): gnomAD 0.00722 and 0.00787; 1000 Genomes Project 30x 0.00791; TOPMed 0.00858; 1000 Genomes Project 0.00874.
gnomAD v4.1: 804 of 111,264 alleles (0.72%); highest among the groups gnomAD compares: African/African-American, 2.5%; 7 homozygotes.

Submission:

GeneDx
Classification: Likely benign. Last evaluated: 2018-06-16. Review status: criteria provided, single submitter. Criteria: GeneDx Variant Classification (06012015). Collection method: clinical testing. Allele origin: germline. Affected: yes.
Comment: This variant is considered likely benign or benign based on one or more of the following criteria: it is a conservative change, it occurs at a poorly conserved position in the protein, it is predicted to be benign by multiple in silico algorithms, and/or has population frequency not consistent with disease.